The following is an entry in ClinVar:

ClinVar aggregate classification (germline): Uncertain significance (1 of 4 stars; one submission).

gnomAD v4.1: 1 of 1,613,742 alleles (0.000062%); highest among the groups gnomAD compares: East Asian, 0.0022%; no homozygotes.

Submission:

Labcorp Genetics (formerly Invitae), Labcorp
Classification: Uncertain significance. Last evaluated: 2024-04-16. Review status: criteria provided, single submitter. Criteria: Invitae Variant Classification Sherloc (09022015). Collection method: clinical testing. Allele origin: germline.
Comment: This sequence change replaces glycine, which is neutral and non-polar, with alanine, which is neutral and non-polar, at codon 346 of the RHBDF2 protein (p.Gly346Ala). This variant is present in population databases (rs780222606, gnomAD 0.006%). This variant has not been reported in the literature in individuals affected with RHBDF2-related conditions. Algorithms developed to predict the effect of missense changes on protein structure and function output the following: SIFT: "Not Available"; PolyPhen-2: "Benign"; Align-GVGD: "Not Available". The alanine amino acid residue is found in multiple mammalian species, which suggests that this missense change does not adversely affect protein function. In summary, the available evidence is currently insufficient to determine the role of this variant in disease. Therefore, it has been classified as a Variant of Uncertain Significance.

NM_001005498.4(RHBDF2):c.950G>C (p.Gly317Ala)

Gene: RHBDF2 (rhomboid 5 homolog 2; minus strand). Cytogenetic location: 17q25.1.
Variant type: single nucleotide variant.
Coding change: c.950G>C on transcript NM_001005498.4 (MANE Select); coding-DNA position 950, G replaced by C.
Protein change: p.Gly317Ala; replaces glycine 317 with alanine.
Molecular consequence: missense variant. On other transcripts: non-coding transcript variant (3).
Genome position (GRCh38, 1-based): chr17:76,476,995, C>G on the plus strand (G>C on the coding strand, the complement: RHBDF2 is on the minus strand). VCF-style: chr17-76476995-C-G. GRCh37 (hg19) VCF-style: chr17-74473077-C-G.
Other names: c.950G>C, p.Gly317Ala (NM_001376228.1, NM_001376229.1, NM_001376230.1); c.1037G>C, p.Gly346Ala (NM_024599.5); short protein forms G317A, G346A.
Identifiers: ClinVar variation 3699042 (VCV003699042.2).